The following is an entry in ClinVar:

NM_015294.6(TRIM37):c.943-10C>A

Gene: TRIM37 (tripartite motif containing 37; minus strand). Cytogenetic location: 17q22.
Variant type: single nucleotide variant.
Coding change: c.943-10C>A on transcript NM_015294.6 (MANE Select); 10 bases into the intron before coding-DNA position 943, C replaced by A.
Molecular consequence: intron variant.
Genome position (GRCh38, 1-based): chr17:59,061,118, G>T on the plus strand (C>A on the coding strand, the complement: TRIM37 is on the minus strand). VCF-style: chr17-59061118-G-T. GRCh37 (hg19) VCF-style: chr17-57138479-G-T.
Other names: c.943-10C>A (NM_001320989.3, NM_001005207.5, NM_001320988.3 and 2 more transcripts); c.481-10C>A (NM_001353085.2); c.841-10C>A (NM_001320987.3, NM_001353082.2); c.892-10C>A (NM_001353086.2); c.208-10C>A (NM_001353083.2); c.577-10C>A (NM_001320990.3).
Identifiers: ClinVar variation 2193912 (VCV002193912.5), dbSNP rs748984163, ClinGen allele CA8678447.

ClinVar aggregate classification (germline): Likely benign. Review status: criteria provided, multiple submitters, no conflicts (2 of 4 stars). 2 submissions from 2 submitters: Likely benign (2). Last evaluated 2025-08-11.

Conditions:
TRIM37-related disorder. Also called: TRIM37-related condition.

Allele frequency attached by ClinVar (database versions not stated): ExAC 0.00001; gnomAD 0.00001; gnomAD exomes 0.00001.
gnomAD v4.1: 12 of 1,611,458 alleles (0.00074%); highest among the groups gnomAD compares: Admixed American, 0.005%; no homozygotes.

Submissions (2):

PreventionGenetics, part of Exact Sciences
Classification: Likely benign for TRIM37-related condition. Last evaluated: 2025-08-11. Review status: criteria provided, single submitter. Criteria: ACMG Guidelines, 2015. Collection method: clinical testing. Allele origin: germline.
Comment: This variant is classified as likely benign based on ACMG/AMP sequence variant interpretation guidelines (Richards et al. 2015 PMID: 25741868, with internal and published modifications).

Labcorp Genetics (formerly Invitae), Labcorp
Classification: Likely benign. Last evaluated: 2024-05-06. Review status: criteria provided, single submitter. Criteria: Invitae Variant Classification Sherloc (09022015). Collection method: clinical testing. Allele origin: germline.